The following is an entry in ClinVar:

ClinVar aggregate classification (germline): Uncertain significance (1 of 4 stars; one submission).

Conditions:
Inborn genetic diseases. Identifiers: MedGen C0950123, MeSH D030342.

gnomAD v4.1: 1 of 1,613,850 alleles (0.000062%); highest among the groups gnomAD compares: African/African-American, 0.0013%; no homozygotes.

Submission:

Ambry Genetics
Classification: Uncertain significance for Inborn genetic diseases. Last evaluated: 2024-11-18. Review status: criteria provided, single submitter. Criteria: Ambry Variant Classification Scheme 2023. Collection method: clinical testing. Allele origin: germline.
Comment: The p.M480V variant (also known as c.1438A>G), located in coding exon 1 of the SAMD9L gene, results from an A to G substitution at nucleotide position 1438. The methionine at codon 480 is replaced by valine, an amino acid with highly similar properties. This amino acid position is conserved. In addition, this alteration is predicted to be tolerated by in silico analysis. Based on the available evidence, the clinical significance of this variant remains unclear.

NM_152703.5(SAMD9L):c.1438A>G (p.Met480Val)

Gene: SAMD9L (sterile alpha motif domain containing 9 like; minus strand). Cytogenetic location: 7q21.2.
Variant type: single nucleotide variant.
Coding change: c.1438A>G on transcript NM_152703.5 (MANE Select); coding-DNA position 1438, A replaced by G.
Protein change: p.Met480Val; replaces methionine 480 with valine.
Molecular consequence: missense variant.
Genome position (GRCh38, 1-based): chr7:93,134,534, T>C on the plus strand (A>G on the coding strand, the complement: SAMD9L is on the minus strand). VCF-style: chr7-93134534-T-C. GRCh37 (hg19) VCF-style: chr7-92763847-T-C.
Other names: c.1438A>G, p.Met480Val (NM_001303496.3, NM_001303497.3, NM_001303498.3 and 5 more transcripts); short protein forms M480V.
Identifiers: ClinVar variation 3437143 (VCV003437143.1).